The following is an entry in ClinVar:

NM_003036.4(SKI):c.1998+9G>A

Gene: SKI (SKI proto-oncogene; plus strand). Cytogenetic location: 1p36.32.
Variant type: single nucleotide variant.
Coding change: c.1998+9G>A on transcript NM_003036.4 (MANE Select); 9 bases into the intron after coding-DNA position 1998, G replaced by A.
Molecular consequence: intron variant.
Genome position (GRCh38, 1-based): chr1:2,306,259, G>A. VCF-style: chr1-2306259-G-A. GRCh37 (hg19) VCF-style: chr1-2237698-G-A.
Identifiers: ClinVar variation 516383 (VCV000516383.14), dbSNP rs533071160, ClinGen allele CA16897937.

ClinVar aggregate classification (germline): Likely benign. Review status: criteria provided, multiple submitters, no conflicts (2 of 4 stars). 4 submissions from 4 submitters: Likely benign (3). 1 of the submissions does not count toward it. Last evaluated 2022-08-15.

Conditions:
SKI-related disorder. Also called: SKI-related condition.
Shprintzen-Goldberg syndrome (SGS). Also called: SHPRINTZEN-GOLDBERG CRANIOSYNOSTOSIS SYNDROME; CRANIOSYNOSTOSIS WITH ARACHNODACTYLY AND ABDOMINAL HERNIAS; Marfanoid disorder with craniosynostosis type 1; Marfanoid craniosynostosis syndrome; Shprintzen-Goldberg marfanoid syndrome. Identifiers: Orphanet 2462, MedGen C1321551, MONDO:0008426, OMIM 182212.

Allele frequency attached by ClinVar (database versions not stated): gnomAD 0.00001; TOPMed 0.00001; 1000 Genomes Project 0.00020; 1000 Genomes Project 30x 0.00031.
gnomAD v4.1: 13 of 1,545,384 alleles (0.00084%); highest among the groups gnomAD compares: Non-Finnish European, 0.0011%; no homozygotes.

Submissions (4):

Labcorp Genetics (formerly Invitae), Labcorp
Classification: Likely benign for Shprintzen-Goldberg syndrome. Last evaluated: 2022-08-15. Review status: criteria provided, single submitter. Criteria: Invitae Variant Classification Sherloc (09022015). Collection method: clinical testing. Allele origin: germline.

Blueprint Genetics
Classification: Likely benign. Last evaluated: 2019-12-23. Review status: criteria provided, single submitter. Criteria: ACMG Guidelines, 2015. Collection method: clinical testing. Allele origin: germline.

GeneDx
Classification: Likely benign. Last evaluated: 2017-08-28. Review status: criteria provided, single submitter. Criteria: GeneDx Variant Classification (06012015). Collection method: clinical testing. Allele origin: germline. Affected: yes.
Comment: This variant is considered likely benign or benign based on one or more of the following criteria: it is a conservative change, it occurs at a poorly conserved position in the protein, it is predicted to be benign by multiple in silico algorithms, and/or has population frequency not consistent with disease.

PreventionGenetics, part of Exact Sciences
Classification: Likely benign for SKI-related condition. Last evaluated: 2023-11-13. Review status: no assertion criteria provided. Collection method: clinical testing. Allele origin: germline. Not counted in ClinVar's aggregate classification.
Comment: This variant is classified as likely benign based on ACMG/AMP sequence variant interpretation guidelines (Richards et al. 2015 PMID: 25741868, with internal and published modifications).